The following is an entry in ClinVar:

ClinVar aggregate classification (germline): Uncertain significance (1 of 4 stars; one submission).

Conditions:
Cutis laxa, autosomal recessive, type 1B (ARCL1B). Also called: EFEMP2-Related Cutis Laxa; CUTIS LAXA, AUTOSOMAL RECESSIVE, TYPE IB. Identifiers: Orphanet 90349, MedGen C3280798, MONDO:0013754, OMIM 614437. Disease mechanism: loss of function.

gnomAD v4.1: 4 of 1,613,928 alleles (0.00025%); highest among the groups gnomAD compares: Non-Finnish European, 0.00034%; no homozygotes.

Submission:

Labcorp Genetics (formerly Invitae), Labcorp
Classification: Uncertain significance for Cutis laxa, autosomal recessive, type 1B. Last evaluated: 2025-09-02. Review status: criteria provided, single submitter. Criteria: Invitae Variant Classification Sherloc (09022015). Collection method: clinical testing. Allele origin: germline.
Comment: This sequence change replaces glutamic acid, which is acidic and polar, with glutamine, which is neutral and polar, at codon 161 of the EFEMP2 protein (p.Glu161Gln). This variant is present in population databases (no rsID available, gnomAD 0.003%). This variant has not been reported in the literature in individuals affected with EFEMP2-related conditions. ClinVar contains an entry for this variant (Variation ID: 2108578). Invitae Evidence Modeling of protein sequence and biophysical properties (such as structural, functional, and spatial information, amino acid conservation, physicochemical variation, residue mobility, and thermodynamic stability) indicates that this missense variant is not expected to disrupt EFEMP2 protein function with a negative predictive value of 95%. This variant disrupts the p.Glu161 amino acid residue in EFEMP2. Other variant(s) that disrupt this residue have been determined to be pathogenic (PMID: 22440127). This suggests that this residue is clinically significant, and that variants that disrupt this residue are likely to be disease-causing. In summary, the available evidence is currently insufficient to determine the role of this variant in disease. Therefore, it has been classified as a Variant of Uncertain Significance.

Literature cited by the submitters: PubMed 22440127.

NM_016938.5(EFEMP2):c.481G>C (p.Glu161Gln)

Gene: EFEMP2 (EGF-like fibulin extracellular matrix protein 2; minus strand). Cytogenetic location: 11q13.1.
Variant type: single nucleotide variant.
Coding change: c.481G>C on transcript NM_016938.5 (MANE Select); coding-DNA position 481, G replaced by C.
Protein change: p.Glu161Gln; replaces glutamic acid 161 with glutamine.
Molecular consequence: missense variant. On other transcripts: non-coding transcript variant (1).
Genome position (GRCh38, 1-based): chr11:65,870,545, C>G on the plus strand (G>C on the coding strand, the complement: EFEMP2 is on the minus strand). VCF-style: chr11-65870545-C-G. GRCh37 (hg19) VCF-style: chr11-65638016-C-G.
Other names: short protein forms E161Q.
Identifiers: ClinVar variation 2108578 (VCV002108578.4), dbSNP rs761656636, ClinGen allele CA224017344.